The following is an entry in ClinVar:

ClinVar aggregate classification (germline): Uncertain significance (1 of 4 stars; one submission).

Conditions:
POLD1-related polyposis and colorectal cancer syndrome (CRCS10). Also called: Colorectal cancer 10; COLORECTAL CANCER, SUSCEPTIBILITY TO, ON CHROMOSOME 19q; Colorectal cancer, susceptibility to, 10. Identifiers: Orphanet 220460, MedGen C2675481, MONDO:0012953, OMIM 612591.

gnomAD v4.1: 5 of 1,613,134 alleles (0.00031%); highest among the groups gnomAD compares: Non-Finnish European, 0.00042%; no homozygotes.

Submission:

Labcorp Genetics (formerly Invitae), Labcorp
Classification: Uncertain significance for POLD1-related polyposis and colorectal cancer syndrome. Last evaluated: 2020-07-07. Review status: criteria provided, single submitter. Criteria: Invitae Variant Classification Sherloc (09022015). Collection method: clinical testing. Allele origin: germline.
Comment: This variant is not present in population databases (ExAC no frequency). This sequence change replaces valine with phenylalanine at codon 867 of the POLD1 protein (p.Val867Phe). The valine residue is moderately conserved and there is a small physicochemical difference between valine and phenylalanine. This variant has not been reported in the literature in individuals with POLD1-related conditions. In summary, the available evidence is currently insufficient to determine the role of this variant in disease. Therefore, it has been classified as a Variant of Uncertain Significance. Algorithms developed to predict the effect of missense changes on protein structure and function are either unavailable or do not agree on the potential impact of this missense change (SIFT: "Deleterious"; PolyPhen-2: "Possibly Damaging"; Align-GVGD: "Class C0").

NM_002691.4(POLD1):c.2599G>T (p.Val867Phe)

Gene: POLD1 (DNA polymerase delta 1, catalytic subunit; plus strand). Cytogenetic location: 19q13.33.
Variant type: single nucleotide variant.
Coding change: c.2599G>T on transcript NM_002691.4 (MANE Select); coding-DNA position 2599, G replaced by T.
Protein change: p.Val867Phe; replaces valine 867 with phenylalanine.
Molecular consequence: missense variant. On other transcripts: non-coding transcript variant (1).
Genome position (GRCh38, 1-based): chr19:50,415,472, G>T. VCF-style: chr19-50415472-G-T. GRCh37 (hg19) VCF-style: chr19-50918729-G-T.
Other names: c.2599G>T, p.Val867Phe (NM_001256849.1); c.2677G>T, p.Val893Phe (NM_001308632.1); short protein forms V893F, V867F.
Identifiers: ClinVar variation 1039888 (VCV001039888.8), dbSNP rs367680864, ClinGen allele CA406985382.
Genomic context (GRCh38, chr19:50,415,472, plus strand): 5'-ACGCTGTGCGGCCCGCTCTCCTACAGAGACCCTGAGGGCGCGGTGGCTCACGCACAGGAC[G>T]TCATCTCGGACCTGCTGTGCAACCGCATCGATATCTCCCAGCTGGTCATCACCAAGGAGC-3'
Protein context (NP_002682.2, residues 857-877): PEGAVAHAQD[Val867Phe]ISDLLCNRID